The following is an entry in ClinVar:

ClinVar aggregate classification (germline): Uncertain significance (1 of 4 stars; one submission).

Conditions:
Familial encephalopathy with neuroserpin inclusion bodies. Also called: ENCEPHALOPATHY, FAMILIAL, WITH COLLINS BODIES. Identifiers: Orphanet 85110, MedGen C1858680, MONDO:0011412, OMIM 604218.

Allele frequency attached by ClinVar (database versions not stated): gnomAD exomes below 0.00001.
gnomAD v4.1: 5 of 1,613,646 alleles (0.00031%); highest among the groups gnomAD compares: South Asian, 0.0044%; no homozygotes.

Submission:

Labcorp Genetics (formerly Invitae), Labcorp
Classification: Uncertain significance for Familial encephalopathy with neuroserpin inclusion bodies. Last evaluated: 2024-04-03. Review status: criteria provided, single submitter. Criteria: Invitae Variant Classification Sherloc (09022015). Collection method: clinical testing. Allele origin: germline.
Comment: This sequence change replaces alanine, which is neutral and non-polar, with valine, which is neutral and non-polar, at codon 174 of the SERPINI1 protein (p.Ala174Val). This variant is present in population databases (no rsID available, gnomAD 0.003%). This variant has not been reported in the literature in individuals affected with SERPINI1-related conditions. ClinVar contains an entry for this variant (Variation ID: 1482597). Advanced modeling of protein sequence and biophysical properties (such as structural, functional, and spatial information, amino acid conservation, physicochemical variation, residue mobility, and thermodynamic stability) performed at Invitae indicates that this missense variant is not expected to disrupt SERPINI1 protein function with a negative predictive value of 80%. In summary, the available evidence is currently insufficient to determine the role of this variant in disease. Therefore, it has been classified as a Variant of Uncertain Significance.

NM_001122752.2(SERPINI1):c.521C>T (p.Ala174Val)

Gene: SERPINI1 (serpin family I member 1; plus strand). Cytogenetic location: 3q26.1.
Variant type: single nucleotide variant.
Coding change: c.521C>T on transcript NM_001122752.2 (MANE Select); coding-DNA position 521, C replaced by T.
Protein change: p.Ala174Val; replaces alanine 174 with valine.
Molecular consequence: missense variant.
Genome position (GRCh38, 1-based): chr3:167,792,629, C>T. VCF-style: chr3-167792629-C-T. GRCh37 (hg19) VCF-style: chr3-167510417-C-T.
Other names: c.521C>T, p.Ala174Val (NM_005025.5); short protein forms A174V.
Identifiers: ClinVar variation 1482597 (VCV001482597.8), dbSNP rs1307589619, ClinGen allele CA355156518.